The following is an entry in ClinVar:

ClinVar aggregate classification (germline): Uncertain significance (1 of 4 stars; one submission).

Conditions:
Arrhythmogenic right ventricular dysplasia 9 (ARVD9). Also called: Arrhythmogenic Right Ventricular Dysplasia/Cardiomyopathy 9; ARRHYTHMOGENIC RIGHT VENTRICULAR DYSPLASIA, FAMILIAL, 9. Identifiers: MedGen C1836906, MONDO:0012180, OMIM 609040.

Submission:

Labcorp Genetics (formerly Invitae), Labcorp
Classification: Uncertain significance for Arrhythmogenic right ventricular dysplasia 9. Last evaluated: 2022-07-26. Review status: criteria provided, single submitter. Criteria: Invitae Variant Classification Sherloc (09022015). Collection method: clinical testing. Allele origin: germline.
Comment: In summary, the available evidence is currently insufficient to determine the role of this variant in disease. Therefore, it has been classified as a Variant of Uncertain Significance. Algorithms developed to predict the effect of missense changes on protein structure and function (SIFT, PolyPhen-2, Align-GVGD) all suggest that this variant is likely to be disruptive. This variant has not been reported in the literature in individuals affected with PKP2-related conditions. This variant is not present in population databases (gnomAD no frequency). This sequence change replaces leucine, which is neutral and non-polar, with arginine, which is basic and polar, at codon 762 of the PKP2 protein (p.Leu762Arg).

NM_001005242.3(PKP2):c.2153T>G (p.Leu718Arg)

Gene: PKP2 (plakophilin 2; minus strand). Cytogenetic location: 12p11.21.
Variant type: single nucleotide variant.
Coding change: c.2153T>G on transcript NM_001005242.3 (MANE Select); coding-DNA position 2153, T replaced by G.
Protein change: p.Leu718Arg; replaces leucine 718 with arginine.
Molecular consequence: missense variant.
Genome position (GRCh38, 1-based): chr12:32,802,417, A>C on the plus strand (T>G on the coding strand, the complement: PKP2 is on the minus strand). VCF-style: chr12-32802417-A-C. GRCh37 (hg19) VCF-style: chr12-32955351-A-C.
Other names: c.1826T>G, p.Leu609Arg (NM_001407159.1, NM_001407160.1, NM_001407158.1); c.2285T>G, p.Leu762Arg (NM_004572.4); c.2153T>G, p.Leu718Arg (NM_001407155.1); c.1988T>G, p.Leu663Arg (NM_001407156.1); short protein forms L762R, L609R, L718R, L663R.
Identifiers: ClinVar variation 1949700 (VCV001949700.5), dbSNP rs761037679, ClinGen allele CA384359254.